The following is an entry in ClinVar:

NM_000781.3(CYP11A1):c.788G>A (p.Trp263Ter)

Gene: CYP11A1 (cytochrome P450 family 11 subfamily A member 1; minus strand). Cytogenetic location: 15q24.1.
Variant type: single nucleotide variant.
Coding change: c.788G>A on transcript NM_000781.3 (MANE Select); coding-DNA position 788, G replaced by A.
Protein change: p.Trp263Ter; replaces tryptophan 263 with a stop codon.
Molecular consequence: nonsense.
Genome position (GRCh38, 1-based): chr15:74,343,830, C>T on the plus strand (G>A on the coding strand, the complement: CYP11A1 is on the minus strand). VCF-style: chr15-74343830-C-T. GRCh37 (hg19) VCF-style: chr15-74636171-C-T.
Other names: c.314G>A, p.Trp105Ter (NM_001099773.2); short protein forms W263*, W105*.
Identifiers: ClinVar variation 2837364 (VCV002837364.3), dbSNP rs2548330928, ClinGen allele CA393148857.

ClinVar aggregate classification (germline): Pathogenic. Review status: criteria provided, multiple submitters, no conflicts (2 of 4 stars). 2 submissions from 2 submitters: Pathogenic (2). Last evaluated 2026-03-15.

Conditions:
Congenital adrenal insufficiency with 46, XY sex reversal OR 46,XY disorder of sex development-adrenal insufficiency due to CYP11A1 deficiency. Also called: Congenital adrenal insuffiency with 46, XY sex reversal OR 46,XY disorder of sex development-adrenal insufficiency due to CYP11A1 deficiency; P450scc DEFICIENCY. Identifiers: Orphanet 168558, MedGen C3151055, MONDO:0013400, OMIM 613743.

Submissions (2):

Myriad Genetics, Inc.
Classification: Pathogenic for Congenital adrenal insufficiency with 46, XY sex reversal OR 46,XY disorder of sex development-adrenal insufficiency due to CYP11A1 deficiency. Last evaluated: 2026-03-15. Review status: criteria provided, single submitter. Criteria: Myriad Autosomal Dominant, Autosomal Recessive and X-Linked Classification Criteria (2023). Collection method: clinical testing. Allele origin: unknown.
Comment: NM_000781.2(CYP11A1):c.788G>A(W263*) is expected to be pathogenic in the context of congenital adrenal hyperplasia, CYP11A1-related. This variant is predicted to lead to an abnormal or absent protein product due to the creation of a premature termination codon in CYP11A1, a gene where loss-of-function variants are known to be pathogenic. Please note: this variant was assessed in the context of healthy population screening.

Labcorp Genetics (formerly Invitae), Labcorp
Classification: Pathogenic. Last evaluated: 2023-02-14. Review status: criteria provided, single submitter. Criteria: Invitae Variant Classification Sherloc (09022015). Collection method: clinical testing. Allele origin: germline.
Comment: For these reasons, this variant has been classified as Pathogenic. This variant has not been reported in the literature in individuals affected with CYP11A1-related conditions. This variant is not present in population databases (gnomAD no frequency). This sequence change creates a premature translational stop signal (p.Trp263*) in the CYP11A1 gene. It is expected to result in an absent or disrupted protein product. Loss-of-function variants in CYP11A1 are known to be pathogenic (PMID: 15507506, 22435390, 27855232, 229968487).

Literature cited by the submitters: PubMed 15507506 (cited by Labcorp Genetics (formerly Invitae), Labcorp); PubMed 22435390 (cited by Labcorp Genetics (formerly Invitae), Labcorp); PubMed 27855232 (cited by Labcorp Genetics (formerly Invitae), Labcorp); PubMed 229968487 (cited by Labcorp Genetics (formerly Invitae), Labcorp).